The following is an entry in ClinVar:

NM_020988.3(GNAO1):c.723+1G>T

Gene: GNAO1 (G protein subunit alpha o1; plus strand). Cytogenetic location: 16q13.
Variant type: single nucleotide variant.
Coding change: c.723+1G>T on transcript NM_020988.3 (MANE Select); the canonical splice donor site of the intron after coding-DNA position 723, G replaced by T.
Molecular consequence: splice donor variant.
Genome position (GRCh38, 1-based): chr16:56,336,861, G>T. VCF-style: chr16-56336861-G-T. GRCh37 (hg19) VCF-style: chr16-56370773-G-T.
Other names: c.723+1G>T (NM_138736.3).
Identifiers: ClinVar variation 2578317 (VCV002578317.1), dbSNP rs1596872804, ClinGen allele CA395952431.

ClinVar aggregate classification (germline): Pathogenic (1 of 4 stars; one submission).

Submission:

GeneDx
Classification: Pathogenic. Last evaluated: 2023-08-31. Review status: criteria provided, single submitter. Criteria: GeneDx Variant Classification Process June 2021. Collection method: clinical testing. Allele origin: germline. Affected: yes.
Comment: Canonical splice site variant in a gene or region of a gene for which loss of function is not a well-established mechanism of disease; Not observed at significant frequency in large population cohorts (gnomAD); This variant is associated with the following publications: (PMID: 30103967)